The following is an entry in ClinVar:

NM_001010892.3(RSPH4A):c.1974A>G (p.Thr658=)

Gene: RSPH4A (radial spoke head component 4A; plus strand). Cytogenetic location: 6q22.1.
Variant type: single nucleotide variant.
Coding change: c.1974A>G on transcript NM_001010892.3 (MANE Select); coding-DNA position 1974, A replaced by G.
Protein change: p.Thr658=; no amino-acid change (threonine 658 retained).
Molecular consequence: synonymous variant. On other transcripts: 3 prime UTR variant (1).
Genome position (GRCh38, 1-based): chr6:116,632,264, A>G. VCF-style: chr6-116632264-A-G. GRCh37 (hg19) VCF-style: chr6-116953427-A-G.
Other names: c.*35A>G (NM_001161664.2).
Identifiers: ClinVar variation 227903 (VCV000227903.39), dbSNP rs142977481, ClinGen allele CA3971096.
Genomic context (GRCh38, chr6:116,632,264, plus strand): 5'-TAGAAAGTTTGAAAATTTCTACATAGGCTGGGGTCATAAGTATAGTCCAGACAATTATAC[A>G]CCCCCAGTTCCACCACCAGTTTATCAAGAATACCCCAGTGGACCAGAAATTACAGAAATG-3'
Protein context (NP_001010892.1, residues 648-668): WGHKYSPDNY[Thr658=]PPVPPPVYQE

ClinVar aggregate classification (germline): Conflicting classifications of pathogenicity. Review status: criteria provided, conflicting classifications (1 of 4 stars). 7 submissions from 7 submitters: Uncertain significance (1); Benign (1); Likely benign (4). 1 of the submissions does not count toward it. Last evaluated 2026-01-14.

Conditions:
RSPH4A-related disorder. Also called: RSPH4A-related condition.
Primary ciliary dyskinesia. Also called: Ciliary dyskinesia. Identifiers: Orphanet 244, MedGen C0008780, MONDO:0016575, HP:0012265.
Primary ciliary dyskinesia 11. Also called: CILIARY DYSKINESIA, PRIMARY, 11, WITHOUT SITUS INVERSUS. Identifiers: Orphanet 244, MedGen C2675229, MONDO:0012978, OMIM 612649.

Allele frequency attached by ClinVar (database versions not stated): gnomAD exomes 0.00009 and 0.00029; ExAC 0.00037; ESP Exome Variant Server 0.00085; gnomAD 0.00118 and 0.00126; TOPMed 0.00123; 1000 Genomes Project 30x 0.00141; 1000 Genomes Project 0.00160.
gnomAD v4.1: 318 of 1,612,360 alleles (0.02%); highest among the groups gnomAD compares: African/African-American, 0.4%; no homozygotes.

Submissions (7):

Labcorp Genetics (formerly Invitae), Labcorp
Classification: Benign for Primary ciliary dyskinesia. Last evaluated: 2026-01-14. Review status: criteria provided, single submitter. Criteria: Invitae Variant Classification Sherloc (09022015). Collection method: clinical testing. Allele origin: germline.

Blueprint Genetics
Classification: Likely benign. Last evaluated: 2024-10-09. Review status: criteria provided, single submitter. Criteria: ACMG Guidelines, 2015. Collection method: clinical testing. Allele origin: germline.

CeGaT Center for Human Genetics Tuebingen
Classification: Likely benign. Last evaluated: 2024-08-01. Review status: criteria provided, single submitter. Criteria: CeGaT Center For Human Genetics Tuebingen Variant Classification Criteria Version 2. Collection method: clinical testing. Allele origin: germline. Affected: yes. Observed: 1 variant allele.
Comment: RSPH4A: BP4, BP7

Illumina Laboratory Services, Illumina
Classification: Uncertain significance for Primary ciliary dyskinesia 11. Last evaluated: 2018-01-13. Review status: criteria provided, single submitter. Criteria: ICSL Variant Classification Criteria 13 December 2019. Collection method: clinical testing. Allele origin: germline.

Laboratory for Molecular Medicine, Mass General Brigham Personalized Medicine
Classification: Likely benign. Last evaluated: 2015-12-23. Review status: criteria provided, single submitter. Criteria: LMM Criteria. Collection method: clinical testing. Allele origin: germline. Observed: 1 variant allele.
Comment: p.Thr658Thr in exon 6 of RSPH4A: This variant is not expected to have clinical s ignificance because it does not alter an amino acid residue and is not located w ithin the splice consensus sequence. It has been identified in 0.4% (43/10300) o f African chromosomes by the Exome Aggregation Consortium (ExAC; dbSNP rs142977481).

Ambry Genetics
Classification: Likely benign for Primary ciliary dyskinesia. Last evaluated: 2014-12-11. Review status: criteria provided, single submitter. Criteria: Ambry Variant Classification Scheme 2023. Collection method: clinical testing. Allele origin: germline.

PreventionGenetics, part of Exact Sciences
Classification: Likely benign for RSPH4A-related condition. Last evaluated: 2019-03-22. Review status: no assertion criteria provided. Collection method: clinical testing. Allele origin: germline. Not counted in ClinVar's aggregate classification.
Comment: This variant is classified as likely benign based on ACMG/AMP sequence variant interpretation guidelines (Richards et al. 2015 PMID: 25741868, with internal and published modifications).